The following is an entry in ClinVar:

NM_000075.4(CDK4):c.137G>A (p.Gly46Glu)

Genes: CDK4 (cyclin dependent kinase 4; minus strand), LOC130008148 (ATAC-STARR-seq lymphoblastoid silent region 4588; plus strand). Cytogenetic location: 12q14.1.
Variant type: single nucleotide variant.
Coding change: c.137G>A on transcript NM_000075.4 (MANE Select); coding-DNA position 137, G replaced by A.
Protein change: p.Gly46Glu; replaces glycine 46 with glutamic acid.
Molecular consequence: missense variant.
Genome position (GRCh38, 1-based): chr12:57,751,581, C>T on the plus strand (G>A on the coding strand, the complement: CDK4 is on the minus strand). VCF-style: chr12-57751581-C-T. GRCh37 (hg19) VCF-style: chr12-58145364-C-T.
Other names: short protein forms G46E.
Identifiers: ClinVar variation 236941 (VCV000236941.12), dbSNP rs878853622, ClinGen allele CA10583053.

ClinVar aggregate classification (germline): Uncertain significance. Review status: criteria provided, multiple submitters, no conflicts (2 of 4 stars). 3 submissions from 3 submitters: Uncertain significance (3). Last evaluated 2024-04-05.

Conditions:
Hereditary cancer-predisposing syndrome. Also called: Hereditary neoplastic syndrome; Hereditary Cancer Syndrome; Neoplastic Syndromes, Hereditary; Tumor predisposition. Identifiers: Orphanet 140162, MedGen C0027672, MeSH D009386, MONDO:0015356.
Familial melanoma. Also called: Hereditary melanoma; Hereditary cutaneous melanoma. Identifiers: Orphanet 618, MedGen C1512419, MONDO:0018961.

Allele frequency attached by ClinVar (database versions not stated): gnomAD exomes below 0.00001.
gnomAD v4.1: 1 of 1,614,186 alleles (0.000062%); highest among the groups gnomAD compares: Non-Finnish European, 0.000085%; no homozygotes.

Submissions (3):

Ambry Genetics
Classification: Uncertain significance for Hereditary cancer-predisposing syndrome. Last evaluated: 2024-04-05. Review status: criteria provided, single submitter. Criteria: Ambry Variant Classification Scheme 2023. Collection method: clinical testing. Allele origin: germline.
Comment: The p.G46E variant (also known as c.137G>A), located in coding exon 1 of the CDK4 gene, results from a G to A substitution at nucleotide position 137. The glycine at codon 46 is replaced by glutamic acid, an amino acid with similar properties. This amino acid position is conserved. In addition, this alteration is predicted to be tolerated by in silico analysis. Based on the available evidence, the clinical significance of this variant remains unclear.

Quest Diagnostics Nichols Institute San Juan Capistrano
Classification: Uncertain significance. Last evaluated: 2024-02-08. Review status: criteria provided, single submitter. Criteria: Quest Diagnostics criteria. Collection method: clinical testing. Allele origin: unknown.
Comment: The CDK4 c.137G>A (p.Gly46Glu) variant has not been reported in individuals with CDK4-related conditions in the published literature. It also has not been reported in large, multi-ethnic general populations (Genome Aggregation Database). Analysis of this variant using bioinformatics tools for the prediction of the effect of amino acid changes on protein structure and function yielded predictions that this variant is benign. Additional analysis using software algorithms for the prediction of the effect of nucleotide changes on CDK4 mRNA splicing yielded predictions that this variant may result in the gain of a cryptic splice site without affecting the natural splice sites. Based on the available information, we are unable to determine the clinical significance of this variant.

Labcorp Genetics (formerly Invitae), Labcorp
Classification: Uncertain significance for Familial melanoma. Last evaluated: 2020-01-28. Review status: criteria provided, single submitter. Criteria: Invitae Variant Classification Sherloc (09022015). Collection method: clinical testing. Allele origin: germline.
Comment: In summary, the available evidence is currently insufficient to determine the role of this variant in disease. Therefore, it has been classified as a Variant of Uncertain Significance. Algorithms developed to predict the effect of sequence changes on RNA splicing suggest that this variant may create or strengthen a splice site, but this prediction has not been confirmed by published transcriptional studies. Algorithms developed to predict the effect of missense changes on protein structure and function are either unavailable or do not agree on the potential impact of this missense change (SIFT: "Tolerated"; PolyPhen-2: "Benign"; Align-GVGD: "Class C0"). This variant has not been reported in the literature in individuals with CDK4-related disease. ClinVar contains an entry for this variant (Variation ID: 236941). This variant is not present in population databases (ExAC no frequency). This sequence change replaces glycine with glutamic acid at codon 46 of the CDK4 protein (p.Gly46Glu). The glycine residue is weakly conserved and there is a moderate physicochemical difference between glycine and glutamic acid.